The following is an entry in ClinVar:

ClinVar aggregate classification (germline): Pathogenic/Likely pathogenic. Review status: criteria provided, multiple submitters, no conflicts (2 of 4 stars). 3 submissions from 3 submitters: Pathogenic (2); Likely pathogenic (1). Last evaluated 2024-04-02.

Conditions:
Joubert syndrome. Also called: CEREBELLOPARENCHYMAL DISORDER IV; JOUBERT-BOLTSHAUSER SYNDROME; Familial aplasia of the vermis. Identifiers: Orphanet 475, MedGen C5979921, MONDO:0018772.
Meckel-Gruber syndrome. Also called: DYSENCEPHALIA SPLANCHNOCYSTICA; GRUBER SYNDROME; Dysencephalia splachnocystica. Identifiers: Orphanet 564, MedGen C0265215, MONDO:0018921.
Joubert syndrome and related disorders. Identifiers: Orphanet 140874, MedGen C5679612, MONDO:0015369.
Bardet-Biedl syndrome 14 (BBS14). Identifiers: Orphanet 110, MedGen C2673874, MONDO:0014442, OMIM 615991.
RHYNS syndrome. Also called: RETINITIS PIGMENTOSA SYNDROME; RETINITIS PIGMENTOSA, HYPOPITUITARISM, NEPHRONOPHTHISIS, AND MILD SKELETAL DYSPLASIA. Identifiers: Orphanet 140976, MedGen C1865794, MONDO:0011202, OMIM 602152.
Joubert syndrome 6 (JBTS6). Identifiers: Orphanet 475, MedGen C1853153, MONDO:0012539, OMIM 610688.
Meckel syndrome, type 3 (MKS3). Also called: MECKEL-GRUBER SYNDROME, TYPE 3. Identifiers: Orphanet 564, MedGen C1846357, MONDO:0011821, OMIM 607361.
Nephronophthisis 11 (NPHP11). Identifiers: Orphanet 84081, MedGen C3150796, MONDO:0013302, OMIM 613550.
COACH syndrome 1. Identifiers: Orphanet 1454, MedGen C5435651, MONDO:0800103, OMIM 216360, MONDO:0008996.

Submissions (3):

Fulgent Genetics
Classification: Likely pathogenic for COACH syndrome 1; RHYNS syndrome; Meckel syndrome, type 3; Joubert syndrome 6; Nephronophthisis 11; Bardet-Biedl syndrome 14. Last evaluated: 2024-04-02. Review status: criteria provided, single submitter. Criteria: ACMG Guidelines, 2015. Collection method: clinical testing. Allele origin: germline.

Women's Health and Genetics/Laboratory Corporation of America, LabCorp
Classification: Pathogenic for Joubert syndrome and related disorders. Last evaluated: 2023-12-14. Review status: criteria provided, single submitter. Criteria: LabCorp Variant Classification Summary - May 2015. Collection method: clinical testing. Allele origin: germline.
Comment: Variant summary: TMEM67 c.2429_2433delAAAGA (p.Lys810ArgfsX7) results in a premature termination codon, predicted to cause a truncation of the encoded protein or absence of the protein due to nonsense mediated decay, which are commonly known mechanisms for disease. The variant was absent in 251024 control chromosomes. To our knowledge, no occurrence of c.2429_2433delAAAGA in individuals affected with Joubert Syndrome And Related Disorders and no experimental evidence demonstrating its impact on protein function have been reported. No submitters have cited clinical-significance assessments for this variant to ClinVar after 2014. Based on the evidence outlined above, the variant was classified as pathogenic.

Labcorp Genetics (formerly Invitae), Labcorp
Classification: Pathogenic for Joubert syndrome; Meckel-Gruber syndrome. Last evaluated: 2023-02-06. Review status: criteria provided, single submitter. Criteria: Invitae Variant Classification Sherloc (09022015). Collection method: clinical testing. Allele origin: germline.
Comment: This sequence change creates a premature translational stop signal (p.Lys810Argfs*7) in the TMEM67 gene. It is expected to result in an absent or disrupted protein product. Loss-of-function variants in TMEM67 are known to be pathogenic (PMID: 20232449, 23559409). This variant is not present in population databases (gnomAD no frequency). This variant has not been reported in the literature in individuals affected with TMEM67-related conditions. Algorithms developed to predict the effect of sequence changes on RNA splicing suggest that this variant may disrupt the consensus splice site. For these reasons, this variant has been classified as Pathogenic.

Literature cited by the submitters: PubMed 20232449 (cited by Labcorp Genetics (formerly Invitae), Labcorp); PubMed 23559409 (cited by Labcorp Genetics (formerly Invitae), Labcorp).

NM_153704.6(TMEM67):c.2429_2433del (p.Lys810fs)

Gene: TMEM67 (transmembrane protein 67; plus strand). Cytogenetic location: 8q22.1.
Variant type: Deletion.
Coding change: c.2429_2433del on transcript NM_153704.6 (MANE Select); coding-DNA positions 2429 to 2433, 5 bases deleted (AAAGA; older notation c.2429_2433delAAAGA).
Protein change: p.Lys810fs; shifts the reading frame from lysine 810.
Molecular consequence: frameshift variant. On other transcripts: non-coding transcript variant (1).
Genome position (GRCh38, 1-based): chr8:93,804,868-93,804,872, AAAGA deleted; deleting any 5 consecutive bases within chr8:93,804,867-93,804,872 gives the same sequence; the c. name uses the placement nearest the transcript's 3' end. VCF-style (leftmost placement, unchanged base first): chr8-93804866-TAAAAG-T. GRCh37 (hg19) VCF-style: chr8-94817094-TAAAAG-T.
Other names: c.2186_2190del, p.Lys729fs (NM_001142301.1); c.2429_2433delAAAGA (NM_153704.6); short protein forms K729fs, K810fs.
Identifiers: ClinVar variation 2691706 (VCV002691706.5), dbSNP rs2536929958, ClinGen allele CA2687922922.
Genomic context (GRCh38, chr8:93,804,866, plus strand): 5'-TCATGGTAGATCAGTACATGGGCATGCAGATACTAATATGGAAGAAATGAATATGAACCT[TAAAAG>T]AGAAGCGGTATGAAAATGTTTTACATCTTTTTGTTTTTAAGTTGAGAAGTGGATTCTTAT-3'